The following is an entry in ClinVar:

NM_001379403.1(WDR26):c.1319+1G>A

Gene: WDR26 (WD repeat domain 26; minus strand). Cytogenetic location: 1q42.12.
Variant type: single nucleotide variant.
Coding change: c.1319+1G>A on transcript NM_001379403.1 (MANE Select); the canonical splice donor site of the intron after coding-DNA position 1319, G replaced by A.
Molecular consequence: splice donor variant.
Genome position (GRCh38, 1-based): chr1:224,418,259, C>T on the plus strand (G>A on the coding strand, the complement: WDR26 is on the minus strand). VCF-style: chr1-224418259-C-T. GRCh37 (hg19) VCF-style: chr1-224605961-C-T.
Other names: c.971+1G>A (NM_001115113.3); c.1019+1G>A (NM_025160.7).
Identifiers: ClinVar variation 1034092 (VCV001034092.1), dbSNP rs1673963444, ClinGen allele CA344749789.
Genomic context (GRCh38, chr1:224,418,259, plus strand): 5'-AGAAAACTAAAATTTTGTAAAATGTTAGGCTGTTTCAGAATATAGGAAGTTTTCCTCTTA[C>T]CTACTACAAACATGGTCTATAAGCAGAGACACAGAATCTAGATTATTATCAAGTTTGGTA-3'

ClinVar aggregate classification (germline): Pathogenic (1 of 4 stars; one submission).

Conditions:
Skraban-Deardorff syndrome. Also called: INTELLECTUAL DISABILITY WITH SEIZURES, ABNORMAL GAIT, AND DISTINCTIVE FACIAL FEATURES; WDR26-Related Intellectual Disability. Identifiers: Orphanet 513456, MedGen C4539927, MONDO:0054636, OMIM 617616.

Submission:

Baylor Genetics
Classification: Pathogenic for Skraban-Deardorff syndrome. Last evaluated: 2018-03-27. Review status: criteria provided, single submitter. Criteria: ACMG Guidelines, 2015. Collection method: clinical testing. Allele origin: de novo. Affected: yes.
Comment: This variant was determined to be pathogenic according to ACMG Guidelines, 2015 [PMID:25741868].